The following is an entry in ClinVar:

NM_004369.4(COL6A3):c.1019G>A (p.Ser340Asn)

Gene: COL6A3 (collagen type VI alpha 3 chain; minus strand). Cytogenetic location: 2q37.3.
Variant type: single nucleotide variant.
Coding change: c.1019G>A on transcript NM_004369.4 (MANE Select); coding-DNA position 1019, G replaced by A.
Protein change: p.Ser340Asn; replaces serine 340 with asparagine.
Molecular consequence: missense variant. On other transcripts: intron variant (2).
Genome position (GRCh38, 1-based): chr2:237,387,875, C>T on the plus strand (G>A on the coding strand, the complement: COL6A3 is on the minus strand). VCF-style: chr2-237387875-C-T. GRCh37 (hg19) VCF-style: chr2-238296518-C-T.
Other names: c.401G>A, p.Ser134Asn (NM_057165.5, NM_057167.4); c.92-6376G>A (NM_057166.5, NM_057164.5); short protein forms S340N, S134N.
Identifiers: ClinVar variation 1362089 (VCV001362089.8), dbSNP rs2106378691, ClinGen allele CA351222435.

ClinVar aggregate classification (germline): Uncertain significance (1 of 4 stars; one submission).

Conditions:
Bethlem myopathy 1A. Also called: MYOPATHY, BENIGN CONGENITAL, WITH CONTRACTURES; Bethlem Muscular Dystrophy; Bethlem myopathy 1. Identifiers: Orphanet 610, MedGen CN029274, MONDO:0024530, OMIM 158810.

Submission:

Labcorp Genetics (formerly Invitae), Labcorp
Classification: Uncertain significance for Bethlem myopathy 1A. Last evaluated: 2022-06-27. Review status: criteria provided, single submitter. Criteria: Invitae Variant Classification Sherloc (09022015). Collection method: clinical testing. Allele origin: germline.
Comment: This sequence change replaces serine, which is neutral and polar, with asparagine, which is neutral and polar, at codon 340 of the COL6A3 protein (p.Ser340Asn). This variant is not present in population databases (gnomAD no frequency). This variant has not been reported in the literature in individuals affected with COL6A3-related conditions. Advanced modeling of protein sequence and biophysical properties (such as structural, functional, and spatial information, amino acid conservation, physicochemical variation, residue mobility, and thermodynamic stability) performed at Invitae indicates that this missense variant is not expected to disrupt COL6A3 protein function. In summary, the available evidence is currently insufficient to determine the role of this variant in disease. Therefore, it has been classified as a Variant of Uncertain Significance.